The following is an entry in ClinVar:

NM_001127392.3(MYRF):c.2336+1G>A

Gene: MYRF (myelin regulatory factor; plus strand). Cytogenetic location: 11q12.2.
Variant type: single nucleotide variant.
Coding change: c.2336+1G>A on transcript NM_001127392.3 (MANE Select); the canonical splice donor site of the intron after coding-DNA position 2336, G replaced by A.
Molecular consequence: splice donor variant.
Genome position (GRCh38, 1-based): chr11:61,779,931, G>A. VCF-style: chr11-61779931-G-A. GRCh37 (hg19) VCF-style: chr11-61547403-G-A.
Other names: IVS, G-A, 2336+1; c.2309+1G>A (NM_013279.4).
Identifiers: ClinVar variation 373200 (VCV000373200.1), dbSNP rs1057518279, ClinGen allele CA16042818.

ClinVar aggregate classification (germline): Uncertain significance. Review status: criteria provided, single submitter (1 of 4 stars). 2 submissions from 2 submitters: Uncertain significance (1). 1 of the submissions does not count toward it. Last evaluated 2016-11-21.

Conditions:
Cardiac-urogenital syndrome (CUGS). Also called: MYRF-Related Cardiac Urogenital Syndrome. Identifiers: Orphanet 647811, MedGen C4748946, MONDO:0032653, OMIM 618280.

Submissions (2):

GeneDx
Classification: Uncertain significance. Last evaluated: 2016-11-21. Review status: criteria provided, single submitter. Criteria: GeneDx Variant Classification (06012015). Collection method: clinical testing. Allele origin: germline. Affected: yes.
Comment: The c.2336+1G>A variant in the MYRF gene has not been reported previously as a pathogenic variant nor as a benign variant, to our knowledge. This splice site variant destroys the canonical splice donor site in intron 17. It is predicted to cause abnormal gene splicing, either leading to an abnormal message that is subject to nonsense-mediated mRNA decay, or to an abnormal protein product if the message is used for protein translation. The c.2336+1G>A variant was not observed in approximately 6,500 individuals of European and African American ancestry in the NHLBI Exome Sequencing Project, indicating it is not a common benign variant in these populations. We interpret c.2336+1G>A as a variant of uncertain significance.

OMIM
Classification: Pathogenic for CARDIAC-UROGENITAL SYNDROME. Last evaluated: 2019-01-11. Review status: no assertion criteria provided. Collection method: literature only. Allele origin: germline. Not counted in ClinVar's aggregate classification.

Literature cited by the submitters: PubMed 29446546 (cited by OMIM).